The following is an entry in ClinVar:

ClinVar aggregate classification (germline): Uncertain significance (1 of 4 stars; one submission).

Allele frequency attached by ClinVar (database versions not stated): gnomAD exomes 0.00003; ESP Exome Variant Server 0.00008; 1000 Genomes Project 30x 0.00031; ExAC 0.00021; gnomAD 0.00001; TOPMed 0.00002; 1000 Genomes Project 0.00020.
gnomAD v4.1: 38 of 1,570,408 alleles (0.0024%); highest among the groups gnomAD compares: South Asian, 0.022%; no homozygotes.

Submission:

Labcorp Genetics (formerly Invitae), Labcorp
Classification: Uncertain significance. Last evaluated: 2025-10-12. Review status: criteria provided, single submitter. Criteria: Invitae Variant Classification Sherloc (09022015). Collection method: clinical testing. Allele origin: germline.
Comment: This sequence change replaces arginine, which is basic and polar, with glutamine, which is neutral and polar, at codon 2891 of the DCHS1 protein (p.Arg2891Gln). This variant is present in population databases (rs60443131, gnomAD 0.04%). This variant has not been reported in the literature in individuals affected with DCHS1-related conditions. ClinVar contains an entry for this variant (Variation ID: 2858839). Invitae Evidence Modeling of protein sequence and biophysical properties (such as structural, functional, and spatial information, amino acid conservation, physicochemical variation, residue mobility, and thermodynamic stability) indicates that this missense variant is expected to disrupt DCHS1 protein function with a positive predictive value of 80%. In summary, the available evidence is currently insufficient to determine the role of this variant in disease. Therefore, it has been classified as a Variant of Uncertain Significance.

NM_003737.4(DCHS1):c.8672G>A (p.Arg2891Gln)

Gene: DCHS1 (dachsous cadherin-related 1; minus strand). Cytogenetic location: 11p15.4.
Variant type: single nucleotide variant.
Coding change: c.8672G>A on transcript NM_003737.4 (MANE Select); coding-DNA position 8672, G replaced by A.
Protein change: p.Arg2891Gln; replaces arginine 2891 with glutamine.
Molecular consequence: missense variant.
Genome position (GRCh38, 1-based): chr11:6,623,004, C>T on the plus strand (G>A on the coding strand, the complement: DCHS1 is on the minus strand). VCF-style: chr11-6623004-C-T. GRCh37 (hg19) VCF-style: chr11-6644235-C-T.
Other names: short protein forms R2891Q.
Identifiers: ClinVar variation 2858839 (VCV002858839.2), dbSNP rs60443131, ClinGen allele CA5859379.
Genomic context (GRCh38, chr11:6,623,004, plus strand): 5'-GAACCAGGCAGAGGCCCCCGTGCTATCACCTCCAGCCTCAGCTCCCGTGGTGCTTCCCGC[C>T]GGGTCCGGCCCCCACCCCCAGAGGTGGCTGTTCCGCTGCCTGGTGCCCGACTGTCCACCC-3'
Protein context (NP_003728.1, residues 2881-2901): TATSGGGGRT[Arg2891Gln]REAPRELRLE